The following is an entry in ClinVar:

NM_004260.4(RECQL4):c.2894C>A (p.Pro965His)

Gene: RECQL4 (RecQ like helicase 4; minus strand). Cytogenetic location: 8q24.3.
Variant type: single nucleotide variant.
Coding change: c.2894C>A on transcript NM_004260.4 (MANE Select); coding-DNA position 2894, C replaced by A.
Protein change: p.Pro965His; replaces proline 965 with histidine.
Molecular consequence: missense variant. On other transcripts: non-coding transcript variant (3).
Genome position (GRCh38, 1-based): chr8:144,512,553, G>T on the plus strand (C>A on the coding strand, the complement: RECQL4 is on the minus strand). VCF-style: chr8-144512553-G-T. GRCh37 (hg19) VCF-style: chr8-145737936-G-T.
Other names: c.2600C>A, p.Pro867His (NM_001413017.1); c.2696C>A, p.Pro899His (NM_001413018.1); c.1823C>A, p.Pro608His (NM_001413022.1, NM_001413021.1, NM_001413024.1 and 4 more transcripts); c.1898C>A, p.Pro633His (NM_001413023.1); c.2969C>A, p.Pro990His (NM_001413019.1); c.2798C>A, p.Pro933His (NM_001413020.1); c.2765C>A, p.Pro922His (NM_001413025.1); c.1757C>A, p.Pro586His (NM_001413027.1, NM_001413030.1, NM_001413032.1); and 9 more; short protein forms P564H, P611H, P848H, P921H, P955H, P965H, P542H, P598H.
Identifiers: ClinVar variation 2812767 (VCV002812767.3), dbSNP rs766038992, ClinGen allele CA372673655.

ClinVar aggregate classification (germline): Uncertain significance (1 of 4 stars; one submission).

Conditions:
Baller-Gerold syndrome (BGS). Also called: CRANIOSYNOSTOSIS WITH RADIAL DEFECTS. Identifiers: Orphanet 1225, MedGen C0265308, MONDO:0009039, OMIM 218600.

Submission:

Labcorp Genetics (formerly Invitae), Labcorp
Classification: Uncertain significance for Baller-Gerold syndrome. Last evaluated: 2023-06-25. Review status: criteria provided, single submitter. Criteria: Invitae Variant Classification Sherloc (09022015). Collection method: clinical testing. Allele origin: germline.
Comment: This sequence change replaces proline, which is neutral and non-polar, with histidine, which is basic and polar, at codon 965 of the RECQL4 protein (p.Pro965His). In summary, the available evidence is currently insufficient to determine the role of this variant in disease. Therefore, it has been classified as a Variant of Uncertain Significance. Advanced modeling of protein sequence and biophysical properties (such as structural, functional, and spatial information, amino acid conservation, physicochemical variation, residue mobility, and thermodynamic stability) performed at Invitae indicates that this missense variant is expected to disrupt RECQL4 protein function. This variant has not been reported in the literature in individuals affected with RECQL4-related conditions. This variant is not present in population databases (gnomAD no frequency).